The following is an entry in ClinVar:

ClinVar aggregate classification (germline): Likely pathogenic (1 of 4 stars; one submission).

Submission:

Labcorp Genetics (formerly Invitae), Labcorp
Classification: Likely pathogenic. Last evaluated: 2021-04-21. Review status: criteria provided, single submitter. Criteria: Invitae Variant Classification Sherloc (09022015). Collection method: clinical testing. Allele origin: germline.
Comment: In summary, the currently available evidence indicates that the variant is pathogenic, but additional data are needed to prove that conclusively. Therefore, this variant has been classified as Likely Pathogenic. Algorithms developed to predict the effect of sequence changes on RNA splicing suggest that this variant may disrupt the consensus splice site, but this prediction has not been confirmed by published transcriptional studies. This variant has not been reported in the literature in individuals with ELP1-related conditions. This variant is not present in population databases (ExAC no frequency). This sequence change affects an acceptor splice site in intron 11 of the ELP1 gene. It is expected to disrupt RNA splicing. Variants that disrupt the donor or acceptor splice site typically lead to a loss of protein function (PMID: 16199547), and loss-of-function variants in ELP1 are known to be pathogenic (PMID: 18303054, 24173031).

Literature cited by the submitters: PubMed 16199547; PubMed 18303054; PubMed 24173031.

NM_003640.5(ELP1):c.1190-2A>G

Gene: ELP1 (elongator acetyltransferase complex subunit 1; minus strand). Cytogenetic location: 9q31.3.
Variant type: single nucleotide variant.
Coding change: c.1190-2A>G on transcript NM_003640.5 (MANE Select); the canonical splice acceptor site of the intron before coding-DNA position 1190, A replaced by G.
Molecular consequence: splice acceptor variant.
Genome position (GRCh38, 1-based): chr9:108,911,182, T>C on the plus strand (A>G on the coding strand, the complement: ELP1 is on the minus strand). VCF-style: chr9-108911182-T-C. GRCh37 (hg19) VCF-style: chr9-111673462-T-C.
Other names: c.848-2A>G (NM_001318360.2); c.143-2A>G (NM_001330749.2).
Identifiers: ClinVar variation 1523029 (VCV001523029.8), dbSNP rs2132014132, ClinGen allele CA374429221.